The following is an entry in ClinVar:

ClinVar aggregate classification (germline): Likely pathogenic (1 of 4 stars; one submission).

Conditions:
Developmental and epileptic encephalopathy, 85, with or without midline brain defects. Also called: EPILEPTIC ENCEPHALOPATHY, EARLY INFANTILE, 85, WITH OR WITHOUT MIDLINE BRAIN DEFECTS. Identifiers: MedGen C5393312, MONDO:0026771, OMIM 301044.

Submission:

3billion
Classification: Likely pathogenic for Developmental and epileptic encephalopathy, 85, with or without midline brain defects. Last evaluated: 2025-09-19. Review status: criteria provided, single submitter. Criteria: ACMG Guidelines, 2015. Collection method: clinical testing. Allele origin: germline. Affected: yes.
Comment: The variant is not observed in the gnomAD v4.1.0 dataset. Predicted Consequence/Location: Frameshift: predicted to result in a loss or disruption of normal protein function through nonsense-mediated decay (NMD) or protein truncation. Multiple pathogenic variants are reported downstream of the variant. Therefore, this variant is classified as Likely pathogenic according to the recommendation of ACMG/AMP guideline.

NM_006306.4(SMC1A):c.1959_1962del (p.Gly655fs)

Gene: SMC1A (structural maintenance of chromosomes 1A; minus strand). Cytogenetic location: Xp11.22.
Variant type: Deletion.
Coding change: c.1959_1962del on transcript NM_006306.4 (MANE Select); coding-DNA positions 1959 to 1962, 4 bases deleted (TGGT; older notation c.1959_1962delTGGT).
Protein change: p.Gly655fs; shifts the reading frame from glycine 655.
Molecular consequence: frameshift variant.
Genome position (GRCh38, 1-based): chrX:53,405,341-53,405,344, ACCA deleted on the plus strand (TGGT on the coding strand, the reverse complement: SMC1A is on the minus strand). VCF-style (leftmost placement, unchanged base first): chrX-53405340-CACCA-C. GRCh37 (hg19) VCF-style: chrX-53432272-CACCA-C.
Other names: c.1893_1896del, p.Gly633fs (NM_001281463.1); short protein forms G633fs, G655fs.
Identifiers: ClinVar variation 4855512 (VCV004855512.1).